The following is an entry in ClinVar:

ClinVar aggregate classification (germline): Uncertain significance. Review status: criteria provided, multiple submitters, no conflicts (2 of 4 stars). 2 submissions from 2 submitters: Uncertain significance (2). Last evaluated 2025-09-26.

Conditions:
Inborn genetic diseases. Identifiers: MedGen C0950123, MeSH D030342.
LAMA2-related muscular dystrophy (LAMA2-RD). Also called: Laminin alpha 2-related dystrophy. Identifiers: MedGen C5679788, MONDO:0100228.

Allele frequency attached by ClinVar (database versions not stated): gnomAD exomes below 0.00001 and 0.00001.
gnomAD v4.1: 12 of 1,611,850 alleles (0.00074%); highest among the groups gnomAD compares: Non-Finnish European, 0.001%; no homozygotes.

Submissions (2):

Ambry Genetics
Classification: Uncertain significance for Inborn genetic diseases. Last evaluated: 2025-09-26. Review status: criteria provided, single submitter. Criteria: Ambry Variant Classification Scheme 2023. Collection method: clinical testing. Allele origin: germline.

Labcorp Genetics (formerly Invitae), Labcorp
Classification: Uncertain significance for LAMA2-related muscular dystrophy. Last evaluated: 2022-07-06. Review status: criteria provided, single submitter. Criteria: Invitae Variant Classification Sherloc (09022015). Collection method: clinical testing. Allele origin: germline.
Comment: This sequence change replaces threonine, which is neutral and polar, with isoleucine, which is neutral and non-polar, at codon 2223 of the LAMA2 protein (p.Thr2223Ile). This variant is present in population databases (no rsID available, gnomAD 0.0009%). This variant has not been reported in the literature in individuals affected with LAMA2-related conditions. ClinVar contains an entry for this variant (Variation ID: 1479560). Advanced modeling of protein sequence and biophysical properties (such as structural, functional, and spatial information, amino acid conservation, physicochemical variation, residue mobility, and thermodynamic stability) performed at Invitae indicates that this missense variant is not expected to disrupt LAMA2 protein function. In summary, the available evidence is currently insufficient to determine the role of this variant in disease. Therefore, it has been classified as a Variant of Uncertain Significance.

NM_000426.4(LAMA2):c.6668C>T (p.Thr2223Ile)

Gene: LAMA2 (laminin subunit alpha 2; plus strand). Cytogenetic location: 6q22.33.
Variant type: single nucleotide variant.
Coding change: c.6668C>T on transcript NM_000426.4 (MANE Select); coding-DNA position 6668, C replaced by T.
Protein change: p.Thr2223Ile; replaces threonine 2223 with isoleucine.
Molecular consequence: missense variant.
Genome position (GRCh38, 1-based): chr6:129,454,249, C>T. VCF-style: chr6-129454249-C-T. GRCh37 (hg19) VCF-style: chr6-129775394-C-T.
Other names: c.6668C>T (NM_000426.3); c.6668C>T, p.Thr2223Ile (NM_001079823.2); short protein forms T2223I.
Identifiers: ClinVar variation 1479560 (VCV001479560.6), dbSNP rs1301243594, ClinGen allele CA365617201.